The following is an entry in ClinVar:

ClinVar aggregate classification (germline): Likely pathogenic (1 of 4 stars; one submission).

Conditions:
Snijders Blok-Campeau syndrome. Also called: INTELLECTUAL DEVELOPMENTAL DISORDER WITH MACROCEPHALY, SPEECH DELAY, AND DYSMORPHIC FACIES. Identifiers: Orphanet 599082, MedGen C4748701, MONDO:0032600, OMIM 618205.

Submission:

Victorian Clinical Genetics Services, Murdoch Childrens Research Institute
Classification: Likely pathogenic for Snijders Blok-Campeau syndrome. Last evaluated: 2022-09-02. Review status: criteria provided, single submitter. Criteria: ACMG Guidelines, 2015. Collection method: clinical testing. Allele origin: germline. Inheritance: Autosomal dominant inheritance. Affected: yes.
Comment: Based on the classification scheme VCGS_Germline_v1.3.4, this variant is classified as Likely pathogenic. Following criteria are met: 0103 - Loss of function and gain of function are known mechanisms of disease in this gene and are associated with Snijders Blok-Campeau syndrome (MIM#618205); however no clear genotype-phenotype correlations have been identified to determine how both overactivity and underactivity of CHD3 can result in the same phenotype (PMID: 32483341). (I) 0107 - This gene is associated with autosomal dominant disease. (I) 0115 - Variants in this gene are known to have variable expressivity. Variable expressivity has very recently been reported including inheritance from mildly affected parents (PMID: 35346573). (I) 0200 - Variant is predicted to result in a missense amino acid change from tryptophan to arginine. (I) 0251 - This variant is heterozygous. (I) 0301 - Variant is absent from gnomAD (both v2 and v3). (SP) 0501 - Missense variant consistently predicted to be damaging by multiple in silico tools or highly conserved with a major amino acid change. (SP) 0604 - Variant is not located in an established domain, motif, hotspot or informative constraint region. (I) 0705 - No comparable missense variants have previous evidence for pathogenicity. (I) 0809 - Previous evidence of pathogenicity for this variant is inconclusive. This variant has been classified once as a VUS (LOVD). (I) 0905 - No published segregation evidence has been identified for this variant. (I) 1007 - No published functional evidence has been identified for this variant. (I) Legend: (SP) - Supporting pathogenic, (I) - Information, (SB) - Supporting benign

Literature cited by the submitters: PubMed 32483341; PubMed 35346573.

NM_001005273.3(CHD3):c.1888T>C (p.Trp630Arg)

Gene: CHD3 (chromodomain helicase DNA binding protein 3; plus strand). Cytogenetic location: 17p13.1.
Variant type: single nucleotide variant.
Coding change: c.1888T>C on transcript NM_001005273.3 (MANE Select); coding-DNA position 1888, T replaced by C.
Protein change: p.Trp630Arg; replaces tryptophan 630 with arginine.
Molecular consequence: missense variant.
Genome position (GRCh38, 1-based): chr17:7,897,263, T>C. VCF-style: chr17-7897263-T-C. GRCh37 (hg19) VCF-style: chr17-7800581-T-C.
Other names: c.2065T>C, p.Trp689Arg (NM_001005271.3); c.1888T>C, p.Trp630Arg (NM_005852.4); short protein forms W630R, W689R.
Identifiers: ClinVar variation 1699187 (VCV001699187.3), dbSNP rs2151542224, ClinGen allele CA397935415.
Genomic context (GRCh38, chr17:7,897,263, plus strand): 5'-AAAGACCCGCACTATGCTGAGATGGAGGAGAAGTACTATCGTTTTGGCATCAAGCCAGAG[T>C]GGATGACCGTCCACCGCATCATCAACCACAGGTGAATCCTCGGTCCCTGGGAAGTCAGAC-3'
Protein context (NP_001005273.1, residues 620-640): KYYRFGIKPE[Trp630Arg]MTVHRIINHS